The following is an entry in ClinVar:

NM_005591.4(MRE11):c.677C>T (p.Thr226Ile)

Gene: MRE11 (MRE11 double strand break repair nuclease; minus strand). Cytogenetic location: 11q21.
Variant type: single nucleotide variant.
Coding change: c.677C>T on transcript NM_005591.4 (MANE Select); coding-DNA position 677, C replaced by T.
Protein change: p.Thr226Ile; replaces threonine 226 with isoleucine.
Molecular consequence: missense variant.
Genome position (GRCh38, 1-based): chr11:94,471,742, G>A on the plus strand (C>T on the coding strand, the complement: MRE11 is on the minus strand). VCF-style: chr11-94471742-G-A. GRCh37 (hg19) VCF-style: chr11-94204908-G-A.
Other names: c.677C>T, p.Thr226Ile (NM_001330347.2, NM_005590.4); short protein forms T226I.
Identifiers: ClinVar variation 407895 (VCV000407895.14), dbSNP rs201276188, ClinGen allele CA6235315.

ClinVar aggregate classification (germline): Uncertain significance. Review status: criteria provided, multiple submitters, no conflicts (2 of 4 stars). 2 submissions from 2 submitters: Uncertain significance (2). Last evaluated 2025-08-10.

Conditions:
Ataxia-telangiectasia-like disorder (ATLD). Identifiers: MedGen C1858391, MONDO:0011457.
Hereditary cancer-predisposing syndrome. Also called: Hereditary Cancer Syndrome; Hereditary neoplastic syndrome; Neoplastic Syndromes, Hereditary; Tumor predisposition. Identifiers: Orphanet 140162, MedGen C0027672, MeSH D009386, MONDO:0015356.

gnomAD v4.1: 6 of 1,611,338 alleles (0.00037%); highest among the groups gnomAD compares: Non-Finnish European, 0.00051%; no homozygotes.

Submissions (2):

Ambry Genetics
Classification: Uncertain significance for Hereditary cancer-predisposing syndrome. Last evaluated: 2025-08-10. Review status: criteria provided, single submitter. Criteria: Ambry Variant Classification Scheme 2023. Collection method: clinical testing. Allele origin: germline.
Comment: The p.T226I variant (also known as c.677C>T), located in coding exon 7 of the MRE11A gene, results from a C to T substitution at nucleotide position 677. The threonine at codon 226 is replaced by isoleucine, an amino acid with similar properties. This amino acid position is highly conserved in available vertebrate species. In addition, this alteration is predicted to be deleterious by in silico analysis. Since supporting evidence is limited at this time, the clinical significance of p.T226I remains unclear.

Labcorp Genetics (formerly Invitae), Labcorp
Classification: Uncertain significance for Ataxia-telangiectasia-like disorder. Last evaluated: 2016-08-15. Review status: criteria provided, single submitter. Criteria: Invitae Variant Classification Sherloc (09022015). Collection method: clinical testing. Allele origin: germline.
Comment: In summary, this variant is a rare missense change with uncertain impact on protein function. There is no indication that it causes disease, but the available evidence is currently insufficient to prove that conclusively. Therefore, it has been classified as a Variant of Uncertain Significance. Algorithms developed to predict the effect of missense changes on protein structure and function do not agree on the potential impact of this missense change (SIFT: "Tolerated"; PolyPhen-2: "Probably Damaging"; Align-GVGD: "Class C0"). This variant is present in population databases (rs201276188, ExAC <0.01%) but has not been reported in the literature in individuals with a MRE11A-related disease. This sequence change replaces threonine with isoleucine at codon 226 of the MRE11A protein (p.Thr226Ile). The threonine residue is highly conserved and there is a moderate physicochemical difference between threonine and isoleucine.